The following is an entry in ClinVar:

ClinVar aggregate classification (germline): Uncertain significance (1 of 4 stars; one submission).

Conditions:
Mitochondrial complex II deficiency, nuclear type 1. Also called: SUCCINATE CoQ REDUCTASE DEFICIENCY. Identifiers: Orphanet 3208, MedGen C5700310, MONDO:0100294, OMIM 252011.
Pheochromocytoma/paraganglioma syndrome 5. Also called: Paragangliomas 5; SDHA-Related Hereditary Paraganglioma-Pheochromocytoma Syndrome. Identifiers: Orphanet 29072, MedGen C3279992, MONDO:0013602, OMIM 614165.

Allele frequency attached by ClinVar (database versions not stated): gnomAD exomes below 0.00001.
gnomAD v4.1: 2 of 1,609,228 alleles (0.00012%); highest among the groups gnomAD compares: South Asian, 0.0011%; no homozygotes.

Submission:

Labcorp Genetics (formerly Invitae), Labcorp
Classification: Uncertain significance for Pheochromocytoma/paraganglioma syndrome 5; Mitochondrial complex II deficiency, nuclear type 1. Last evaluated: 2026-01-18. Review status: criteria provided, single submitter. Criteria: Invitae Variant Classification Sherloc (09022015). Collection method: clinical testing. Allele origin: germline.
Comment: This sequence change replaces glycine, which is neutral and non-polar, with arginine, which is basic and polar, at codon 489 of the SDHA protein (p.Gly489Arg). This variant is not present in population databases (gnomAD no frequency). This variant has not been reported in the literature in individuals affected with SDHA-related conditions. ClinVar contains an entry for this variant (Variation ID: 1370043). Invitae Evidence Modeling of protein sequence and biophysical properties (such as structural, functional, and spatial information, amino acid conservation, physicochemical variation, residue mobility, and thermodynamic stability) has been performed for this missense variant. However, the output from this modeling did not meet the statistical confidence thresholds required to predict the impact of this variant on SDHA protein function. In summary, the available evidence is currently insufficient to determine the role of this variant in disease. Therefore, it has been classified as a Variant of Uncertain Significance.

NM_004168.4(SDHA):c.1465G>A (p.Gly489Arg)

Gene: SDHA (succinate dehydrogenase complex flavoprotein subunit A; plus strand). Cytogenetic location: 5p15.33.
Variant type: single nucleotide variant.
Coding change: c.1465G>A on transcript NM_004168.4 (MANE Select); coding-DNA position 1465, G replaced by A.
Protein change: p.Gly489Arg; replaces glycine 489 with arginine.
Molecular consequence: missense variant.
Genome position (GRCh38, 1-based): chr5:240,390, G>A. VCF-style: chr5-240390-G-A. GRCh37 (hg19) VCF-style: chr5-240505-G-A.
Other names: c.1321G>A, p.Gly441Arg (NM_001294332.2); c.1465G>A, p.Gly489Arg (NM_001330758.2); short protein forms G489R, G441R.
Identifiers: ClinVar variation 1370043 (VCV001370043.8), dbSNP rs2126602614, ClinGen allele CA359014223.